The following is an entry in ClinVar:

NM_021098.3(CACNA1H):c.424T>C (p.Phe142Leu)

Gene: CACNA1H (calcium voltage-gated channel subunit alpha1 H; plus strand). Cytogenetic location: 16p13.3.
Variant type: single nucleotide variant.
Coding change: c.424T>C on transcript NM_021098.3 (MANE Select); coding-DNA position 424, T replaced by C.
Protein change: p.Phe142Leu; replaces phenylalanine 142 with leucine.
Molecular consequence: missense variant.
Genome position (GRCh38, 1-based): chr16:1,195,444, T>C. VCF-style: chr16-1195444-T-C. GRCh37 (hg19) VCF-style: chr16-1245444-T-C.
Other names: c.424T>C, p.Phe142Leu (NM_001005407.2); short protein forms F142L.
Identifiers: ClinVar variation 1369878 (VCV001369878.8), dbSNP rs2141197660, ClinGen allele CA394152506.

ClinVar aggregate classification (germline): Uncertain significance (1 of 4 stars; one submission).

Conditions:
Idiopathic generalized epilepsy. Also called: Generalised epilepsy; EIG. Identifiers: MedGen C0270850, MONDO:0005579, OMIM 600669.
Hyperaldosteronism, familial, type IV (HALD4). Also called: FH IV; ALDOSTERONISM, PRIMARY, AND HYPERTENSION. Identifiers: Orphanet 642671, MedGen C4310756, MONDO:0014875, OMIM 617027.

Submission:

Labcorp Genetics (formerly Invitae), Labcorp
Classification: Uncertain significance for Idiopathic generalized epilepsy; Hyperaldosteronism, familial, type IV. Last evaluated: 2022-07-19. Review status: criteria provided, single submitter. Criteria: Invitae Variant Classification Sherloc (09022015). Collection method: clinical testing. Allele origin: germline.
Comment: In summary, the available evidence is currently insufficient to determine the role of this variant in disease. Therefore, it has been classified as a Variant of Uncertain Significance. Advanced modeling of protein sequence and biophysical properties (such as structural, functional, and spatial information, amino acid conservation, physicochemical variation, residue mobility, and thermodynamic stability) performed at Invitae indicates that this missense variant is not expected to disrupt CACNA1H protein function. ClinVar contains an entry for this variant (Variation ID: 1369878). This variant has not been reported in the literature in individuals affected with CACNA1H-related conditions. This variant is not present in population databases (gnomAD no frequency). This sequence change replaces phenylalanine, which is neutral and non-polar, with leucine, which is neutral and non-polar, at codon 142 of the CACNA1H protein (p.Phe142Leu).